The following is an entry in ClinVar:

NM_000540.3(RYR1):c.8944A>G (p.Ser2982Gly)

Gene: RYR1 (ryanodine receptor 1; plus strand). Cytogenetic location: 19q13.2.
Variant type: single nucleotide variant.
Coding change: c.8944A>G on transcript NM_000540.3 (MANE Select); coding-DNA position 8944, A replaced by G.
Protein change: p.Ser2982Gly; replaces serine 2982 with glycine.
Molecular consequence: missense variant.
Genome position (GRCh38, 1-based): chr19:38,510,509, A>G. VCF-style: chr19-38510509-A-G. GRCh37 (hg19) VCF-style: chr19-39001149-A-G.
Other names: c.8944A>G, p.Ser2982Gly (NM_001042723.2); short protein forms S2982G.
Identifiers: ClinVar variation 4802128 (VCV004802128.1).
Genomic context (GRCh38, chr19:38,510,509, plus strand): 5'-GGTTCCCCAGCCTTGAACCCACTGTGAACCCTATTTGCCCTCCCTACAGAGGCTGTGGTC[A>G]GCAGTGGGCGAGTGGAAAAGTCCCCACATGAACAGGAGATTAAATTCTTTGCCAAGGTGA-3'
Protein context (NP_000531.2, residues 2972-2992): EFIAHLEAVV[Ser2982Gly]SGRVEKSPHE

ClinVar aggregate classification (germline): Uncertain significance (1 of 4 stars; one submission).

Conditions:
RYR1-related disorder. Also called: RYR1-related condition; RYR1-related disorders. Identifiers: MedGen CN239331.

Submission:

Labcorp Genetics (formerly Invitae), Labcorp
Classification: Uncertain significance for RYR1-related disorder. Last evaluated: 2025-02-15. Review status: criteria provided, single submitter. Criteria: Invitae Variant Classification Sherloc (09022015). Collection method: clinical testing. Allele origin: germline.
Comment: This sequence change replaces serine, which is neutral and polar, with glycine, which is neutral and non-polar, at codon 2982 of the RYR1 protein (p.Ser2982Gly). This variant is not present in population databases (gnomAD no frequency). This variant has not been reported in the literature in individuals affected with RYR1-related conditions. Invitae Evidence Modeling of protein sequence and biophysical properties (such as structural, functional, and spatial information, amino acid conservation, physicochemical variation, residue mobility, and thermodynamic stability) indicates that this missense variant is not expected to disrupt RYR1 protein function with a negative predictive value of 80%. In summary, the available evidence is currently insufficient to determine the role of this variant in disease. Therefore, it has been classified as a Variant of Uncertain Significance.